The following is an entry in ClinVar:

ClinVar aggregate classification (germline): Benign/Likely benign. Review status: criteria provided, multiple submitters, no conflicts (2 of 4 stars). 8 submissions from 8 submitters: Benign (5); Likely benign (2). 1 of the submissions does not count toward it. Last evaluated 2026-09-01.

Conditions:
EPHB4-related disorder. Also called: EPHB4-related disorders; EPHB4-related condition.
Cardiovascular phenotype. Identifiers: MedGen CN230736.

Allele frequency attached by ClinVar (database versions not stated): gnomAD 0.00155; TOPMed 0.00169; 1000 Genomes Project 30x 0.00172; ESP Exome Variant Server 0.00177; 1000 Genomes Project 0.00180; gnomAD exomes 0.00248.
gnomAD v4.1: 3,842 of 1,613,890 alleles (0.24%); highest among the groups gnomAD compares: Non-Finnish European, 0.29%; 10 homozygotes.

Submissions (13):

CeGaT Center for Human Genetics Tuebingen
Classification: Likely benign. Last evaluated: 2026-09-01. Review status: criteria provided, single submitter. Criteria: CeGaT Center For Human Genetics Tuebingen Variant Classification Criteria Version 2. Collection method: clinical testing. Allele origin: germline. Affected: yes. Observed: 5 variant alleles.
Comment: EPHB4: BP4, BP7, BS1

Labcorp Genetics (formerly Invitae), Labcorp
Classification: Benign. Last evaluated: 2026-01-04. Review status: criteria provided, single submitter. Criteria: Invitae Variant Classification Sherloc (09022015). Collection method: clinical testing. Allele origin: germline.

Mayo Clinic Laboratories, Mayo Clinic
Classification: Benign. Last evaluated: 2025-01-29. Review status: criteria provided, single submitter. Criteria: ACMG Guidelines, 2015. Collection method: clinical testing. Allele origin: germline. Observed: 3 variant alleles.
Comment: BS1, BS2, BP4, BP7

Blueprint Genetics
Classification: Likely benign. Last evaluated: 2024-11-25. Review status: criteria provided, single submitter. Criteria: ACMG Guidelines, 2015. Collection method: clinical testing. Allele origin: germline.

ARUP Laboratories, Molecular Genetics and Genomics, ARUP Laboratories
Classification: Benign. Last evaluated: 2023-08-07. Review status: criteria provided, single submitter. Criteria: ARUP Molecular Germline Variant Investigation Process 2024. Collection method: clinical testing. Allele origin: germline.

Ambry Genetics
Classification: Benign for Cardiovascular phenotype. Last evaluated: 2021-10-01. Review status: criteria provided, single submitter. Criteria: Ambry Variant Classification Scheme 2023. Collection method: clinical testing. Allele origin: germline.

Breakthrough Genomics
Classification: Benign. Review status: criteria provided, single submitter. Criteria: ACMG Guidelines, 2015. Collection method: not provided. Allele origin: germline. Inheritance: Autosomal dominant inheritance. Affected: yes.

PreventionGenetics, part of Exact Sciences
Classification: Likely benign for EPHB4-related condition. Last evaluated: 2019-12-12. Review status: no assertion criteria provided. Collection method: clinical testing. Allele origin: germline. Not counted in ClinVar's aggregate classification.
Comment: This variant is classified as likely benign based on ACMG/AMP sequence variant interpretation guidelines (Richards et al. 2015 PMID: 25741868, with internal and published modifications).

Dr. Peter K. Rogan Lab, Western University
No classification provided (evidence only). Condition: Malignant tumor of urinary bladder. Review status: no classification provided. Collection method: in vitro. Allele origin: not applicable. Functional consequence: skipped exon. Not counted in ClinVar's aggregate classification.

Dr. Peter K. Rogan Lab, Western University
No classification provided (evidence only). Condition: Familial cancer of breast. Review status: no classification provided. Collection method: in vitro. Allele origin: not applicable. Functional consequence: retained intron. Not counted in ClinVar's aggregate classification.

Dr. Peter K. Rogan Lab, Western University
No classification provided (evidence only). Condition: Cervical cancer. Review status: no classification provided. Collection method: in vitro. Allele origin: not applicable. Functional consequence: skipped exon. Not counted in ClinVar's aggregate classification.

Dr. Peter K. Rogan Lab, Western University
No classification provided (evidence only). Condition: Ovarian serous cystadenocarcinoma. Review status: no classification provided. Collection method: in vitro. Allele origin: not applicable. Functional consequence: retained intron. Not counted in ClinVar's aggregate classification.

Dr. Peter K. Rogan Lab, Western University
No classification provided (evidence only). Condition: Ovarian serous cystadenocarcinoma. Review status: no classification provided. Collection method: in vitro. Allele origin: not applicable. Functional consequence: retained intron. Not counted in ClinVar's aggregate classification.

NM_004444.5(EPHB4):c.1593C>T (p.Ser531=)

Gene: EPHB4 (EPH receptor B4; minus strand). Cytogenetic location: 7q22.1.
Variant type: single nucleotide variant.
Coding change: c.1593C>T on transcript NM_004444.5 (MANE Select); coding-DNA position 1593, C replaced by T.
Protein change: p.Ser531=; no amino-acid change (serine 531 retained).
Molecular consequence: synonymous variant.
Genome position (GRCh38, 1-based): chr7:100,814,017, G>A on the plus strand (C>T on the coding strand, the complement: EPHB4 is on the minus strand). VCF-style: chr7-100814017-G-A. GRCh37 (hg19) VCF-style: chr7-100411639-G-A.
Other names: p.Ser531=.
Identifiers: ClinVar variation 1634144 (VCV001634144.40), dbSNP rs55682161, ClinGen allele CA4392914.